The following is an entry in ClinVar:

NM_024580.6(EFL1):c.2597G>T (p.Gly866Val)

Gene: EFL1 (elongation factor like GTPase 1; minus strand). Cytogenetic location: 15q25.2.
Variant type: single nucleotide variant.
Coding change: c.2597G>T on transcript NM_024580.6 (MANE Select); coding-DNA position 2597, G replaced by T.
Protein change: p.Gly866Val; replaces glycine 866 with valine.
Molecular consequence: missense variant. On other transcripts: non-coding transcript variant (1).
Genome position (GRCh38, 1-based): chr15:82,151,857, C>A on the plus strand (G>T on the coding strand, the complement: EFL1 is on the minus strand). VCF-style: chr15-82151857-C-A. GRCh37 (hg19) VCF-style: chr15-82444198-C-A.
Other names: c.2444G>T, p.Gly815Val (NM_001040610.3); c.1808G>T, p.Gly603Val (NM_001322844.2); c.2597G>T, p.Gly866Val (NM_001322845.2); short protein forms G815V, G866V, G603V.
Identifiers: ClinVar variation 1959527 (VCV001959527.5), dbSNP rs201666202, ClinGen allele CA273470735.

ClinVar aggregate classification (germline): Uncertain significance (1 of 4 stars; one submission).

Allele frequency attached by ClinVar (database versions not stated): gnomAD 0.00001.
gnomAD v4.1: 3 of 1,614,034 alleles (0.00019%); highest among the groups gnomAD compares: South Asian, 0.0011%; no homozygotes.

Submission:

Labcorp Genetics (formerly Invitae), Labcorp
Classification: Uncertain significance. Last evaluated: 2022-03-11. Review status: criteria provided, single submitter. Criteria: Invitae Variant Classification Sherloc (09022015). Collection method: clinical testing. Allele origin: germline.
Comment: In summary, the available evidence is currently insufficient to determine the role of this variant in disease. Therefore, it has been classified as a Variant of Uncertain Significance. Algorithms developed to predict the effect of missense changes on protein structure and function are either unavailable or do not agree on the potential impact of this missense change (SIFT: "Deleterious"; PolyPhen-2: "Benign"; Align-GVGD: "Class C15"). This variant has not been reported in the literature in individuals affected with EFL1-related conditions. This variant is not present in population databases (gnomAD no frequency). This sequence change replaces glycine, which is neutral and non-polar, with valine, which is neutral and non-polar, at codon 866 of the EFL1 protein (p.Gly866Val).